The following is an entry in ClinVar:

ClinVar aggregate classification (germline): Uncertain significance (1 of 4 stars; one submission).

Allele frequency attached by ClinVar (database versions not stated): TOPMed below 0.00001; gnomAD 0.00001.
gnomAD v4.1: 1 of 1,612,174 alleles (0.000062%); highest among the groups gnomAD compares: Non-Finnish European, 0.000085%; no homozygotes.

Submission:

Labcorp Genetics (formerly Invitae), Labcorp
Classification: Uncertain significance. Last evaluated: 2022-11-08. Review status: criteria provided, single submitter. Criteria: Invitae Variant Classification Sherloc (09022015). Collection method: clinical testing. Allele origin: germline.
Comment: Advanced modeling of protein sequence and biophysical properties (such as structural, functional, and spatial information, amino acid conservation, physicochemical variation, residue mobility, and thermodynamic stability) has been performed at Invitae for this missense variant, however the output from this modeling did not meet the statistical confidence thresholds required to predict the impact of this variant on ASNS protein function. This sequence change replaces tryptophan, which is neutral and slightly polar, with arginine, which is basic and polar, at codon 464 of the ASNS protein (p.Trp464Arg). This variant is not present in population databases (gnomAD no frequency). This variant has not been reported in the literature in individuals affected with ASNS-related conditions. In summary, the available evidence is currently insufficient to determine the role of this variant in disease. Therefore, it has been classified as a Variant of Uncertain Significance.

NM_001673.5(ASNS):c.1390T>C (p.Trp464Arg)

Genes: CZ1P-ASNS (CZ1P-ASNS readthrough; minus strand), ASNS (asparagine synthetase (glutamine-hydrolyzing); minus strand). Cytogenetic location: 7q21.3.
Variant type: single nucleotide variant.
Coding change: c.1390T>C on transcript NM_001673.5 (MANE Select); coding-DNA position 1390, T replaced by C.
Protein change: p.Trp464Arg; replaces tryptophan 464 with arginine.
Molecular consequence: missense variant. On other transcripts: non-coding transcript variant (1).
Genome position (GRCh38, 1-based): chr7:97,853,146, A>G on the plus strand (T>C on the coding strand, the complement: ASNS is on the minus strand). VCF-style: chr7-97853146-A-G. GRCh37 (hg19) VCF-style: chr7-97482458-A-G.
Other names: c.1327T>C, p.Trp443Arg (NM_001178075.2); c.1141T>C, p.Trp381Arg (NM_001178076.2, NM_001178077.1); c.1390T>C, p.Trp464Arg (NM_001352496.2, NM_133436.3, NM_183356.4); short protein forms W464R, W381R, W443R.
Identifiers: ClinVar variation 2128522 (VCV002128522.4), dbSNP rs1404048496, ClinGen allele CA368264617.